The following is an entry in ClinVar:

NM_020919.4(ALS2):c.163C>T (p.Leu55Phe)

Gene: ALS2 (alsin Rho guanine nucleotide exchange factor ALS2; minus strand). Cytogenetic location: 2q33.1.
Variant type: single nucleotide variant.
Coding change: c.163C>T on transcript NM_020919.4 (MANE Select); coding-DNA position 163, C replaced by T.
Protein change: p.Leu55Phe; replaces leucine 55 with phenylalanine.
Molecular consequence: missense variant.
Genome position (GRCh38, 1-based): chr2:201,767,241, G>A on the plus strand (C>T on the coding strand, the complement: ALS2 is on the minus strand). VCF-style: chr2-201767241-G-A. GRCh37 (hg19) VCF-style: chr2-202631964-G-A.
Other names: c.163C>T (NM_020919.3); c.163C>T, p.Leu55Phe (NM_001135745.2, NM_001410975.1); short protein forms L55F.
Identifiers: ClinVar variation 2155380 (VCV002155380.5), dbSNP rs2469942827, ClinGen allele CA350329462.
Genomic context (GRCh38, chr2:201,767,241, plus strand): 5'-ATTTGTTAGCATTGCAGTTCGTATTTGTTACGCCATTCTTTTCATTACCTTCAGTCAGAA[G>A]AACTCCATGTTTCACTCCGAGGGCTGCCTGCAAAACAGTCTTTCCTCCCCAGCCTGGCAA-3'
Protein context (NP_065970.2, residues 45-65): QAALGVKHGV[Leu55Phe]LTEDGEVYSF

ClinVar aggregate classification (germline): Uncertain significance. Review status: criteria provided, multiple submitters, no conflicts (2 of 4 stars). 2 submissions from 2 submitters: Uncertain significance (2). Last evaluated 2023-11-14.

Conditions:
Inborn genetic diseases. Identifiers: MedGen C0950123, MeSH D030342.
Infantile-onset ascending hereditary spastic paralysis (IAHSP). Also called: Autosomal Recessive Juvenile Amyotrophic Lateral Sclerosis; Infantile-Onset Ascending Hereditary Spastic Paralysis (IAHSP). Identifiers: Orphanet 293168, MedGen C2931441, MONDO:0011797, OMIM 607225. Disease mechanism: loss of function.

Allele frequency attached by ClinVar (database versions not stated): gnomAD exomes 0.00001.

Submissions (2):

Ambry Genetics
Classification: Uncertain significance for Inborn genetic diseases. Last evaluated: 2023-11-14. Review status: criteria provided, single submitter. Criteria: Ambry Variant Classification Scheme 2023. Collection method: clinical testing. Allele origin: germline.

Labcorp Genetics (formerly Invitae), Labcorp
Classification: Uncertain significance for Infantile-onset ascending hereditary spastic paralysis. Last evaluated: 2022-08-13. Review status: criteria provided, single submitter. Criteria: Invitae Variant Classification Sherloc (09022015). Collection method: clinical testing. Allele origin: germline.
Comment: Algorithms developed to predict the effect of missense changes on protein structure and function are either unavailable or do not agree on the potential impact of this missense change (SIFT: "Deleterious"; PolyPhen-2: "Probably Damaging"; Align-GVGD: "Class C0"). In summary, the available evidence is currently insufficient to determine the role of this variant in disease. Therefore, it has been classified as a Variant of Uncertain Significance. This variant has not been reported in the literature in individuals affected with ALS2-related conditions. This variant is not present in population databases (gnomAD no frequency). This sequence change replaces leucine, which is neutral and non-polar, with phenylalanine, which is neutral and non-polar, at codon 55 of the ALS2 protein (p.Leu55Phe).